The following is an entry in ClinVar:

NM_001142800.2(EYS):c.8376_8379dup (p.Glu2794fs)

Genes: EYS (EGF-like photoreceptor maintenance factor; minus strand), PHF3 (PHD finger protein 3; plus strand). Cytogenetic location: 6q12.
Variant type: Duplication.
Coding change: c.8376_8379dup on transcript NM_001142800.2 (MANE Select); coding-DNA positions 8376 to 8379, 4 bases duplicated (TGCA; older notation c.8376_8379dupTGCA).
Protein change: p.Glu2794fs; shifts the reading frame from glutamic acid 2794.
Molecular consequence: frameshift variant. On other transcripts: 3 prime UTR variant (5).
Genome position (GRCh38, 1-based): chr6:63,721,652-63,721,655, TGCA duplicated on the plus strand (TGCA on the coding strand, the reverse complement: EYS is on the minus strand). VCF-style (leftmost placement, unchanged base first): chr6-63721651-C-CTGCA. GRCh37 (hg19) VCF-style: chr6-64431547-C-CTGCA.
Other names: c.*7944_*7947dup (NM_001290259.2, NM_001370348.2, NM_001370349.2 and 2 more transcripts); c.8439_8442dup, p.Glu2815fs (NM_001292009.2); short protein forms E2815fs, E2794fs.
Identifiers: ClinVar variation 143114 (VCV000143114.2), dbSNP rs527236070, ClinGen allele CA270069.
Genomic context (GRCh38, chr6:63,721,651, plus strand): 5'-AACTCATTTTAGTGGAGGCCTTTTCTGTTACATTTATCCCATCTAGATCCAGGTAGCCTT[C>CTGCA]TGCACCAACTCTTCCTGCTTTTATTATATGCCAAGTACTTCCGTTTATAGTTACTTTTTG-3'

ClinVar aggregate classification (germline): Likely pathogenic (0 of 4 stars; one submission).

Conditions:
Retinitis pigmentosa (RP). Identifiers: Orphanet 791, MedGen C0035334, MeSH D012174, MONDO:0019200, OMIM 268000. Inheritance: Autosomal dominant, autosomal recessive and X linked inheritance.

Submission:

Department of Ophthalmology and Visual Sciences Kyoto University
Classification: Likely pathogenic for Retinitis pigmentosa. Review status: no assertion criteria provided. Collection method: not provided. Allele origin: unknown.
ClinVar note: Converted during submission from probable-pathogenic to Likely pathogenic.